The following is an entry in ClinVar:

NM_003331.5(TYK2):c.490G>A (p.Val164Met)

Gene: TYK2 (tyrosine kinase 2; minus strand). Cytogenetic location: 19p13.2.
Variant type: single nucleotide variant.
Coding change: c.490G>A on transcript NM_003331.5 (MANE Select); coding-DNA position 490, G replaced by A.
Protein change: p.Val164Met; replaces valine 164 with methionine.
Molecular consequence: missense variant.
Genome position (GRCh38, 1-based): chr19:10,366,556, C>T on the plus strand (G>A on the coding strand, the complement: TYK2 is on the minus strand). VCF-style: chr19-10366556-C-T. GRCh37 (hg19) VCF-style: chr19-10477232-C-T.
Other names: c.490G>A, p.Val164Met (NM_001385197.1, NM_001385198.1, NM_001385199.1 and 8 more transcripts); short protein forms V164M.
Identifiers: ClinVar variation 1060704 (VCV001060704.6), dbSNP rs531355933, ClinGen allele CA9193712.

ClinVar aggregate classification (germline): Uncertain significance (1 of 4 stars; one submission).

Conditions:
Immunodeficiency 35 (IMD35). Also called: Susceptibility to infection due to TYK2 deficiency; HIES WITH ATYPICAL MYCOBACTERIOSIS, AUTOSOMAL RECESSIVE; HYPER-IgE SYNDROME WITH ATYPICAL MYCOBACTERIOSIS, AUTOSOMAL RECESSIVE; TYK2 DEFICIENCY. Identifiers: Orphanet 331226, MedGen C1969086, MONDO:0012682, OMIM 611521.

Allele frequency attached by ClinVar (database versions not stated): 1000 Genomes Project 30x 0.00016; 1000 Genomes Project 0.00020.

Submission:

Labcorp Genetics (formerly Invitae), Labcorp
Classification: Uncertain significance for Immunodeficiency 35. Last evaluated: 2022-08-09. Review status: criteria provided, single submitter. Criteria: Invitae Variant Classification Sherloc (09022015). Collection method: clinical testing. Allele origin: germline.
Comment: This sequence change replaces valine, which is neutral and non-polar, with methionine, which is neutral and non-polar, at codon 164 of the TYK2 protein (p.Val164Met). This variant is present in population databases (rs531355933, gnomAD 0.006%). This variant has not been reported in the literature in individuals affected with TYK2-related conditions. ClinVar contains an entry for this variant (Variation ID: 1060704). Algorithms developed to predict the effect of missense changes on protein structure and function are either unavailable or do not agree on the potential impact of this missense change (SIFT: "Not Available"; PolyPhen-2: "Possibly Damaging"; Align-GVGD: "Not Available"). In summary, the available evidence is currently insufficient to determine the role of this variant in disease. Therefore, it has been classified as a Variant of Uncertain Significance.